The following is an entry in ClinVar:

ClinVar aggregate classification (germline): Likely benign. Review status: criteria provided, multiple submitters, no conflicts (2 of 4 stars). 2 submissions from 2 submitters: Likely benign (2). Last evaluated 2024-05-23.

Allele frequency attached by ClinVar (database versions not stated): gnomAD exomes 0.00001; TOPMed below 0.00001.
gnomAD v4.1: 3 of 1,613,540 alleles (0.00019%); highest among the groups gnomAD compares: Non-Finnish European, 0.00025%; no homozygotes.

Submissions (2):

Blueprint Genetics
Classification: Likely benign. Last evaluated: 2024-05-23. Review status: criteria provided, single submitter. Criteria: ACMG Guidelines, 2015. Collection method: clinical testing. Allele origin: germline.

CeGaT Center for Human Genetics Tuebingen
Classification: Likely benign. Last evaluated: 2022-03-01. Review status: criteria provided, single submitter. Criteria: CeGaT Center For Human Genetics Tuebingen Variant Classification Criteria Version 2. Collection method: clinical testing. Allele origin: germline. Affected: yes. Observed: 1 variant allele.
Comment: HCN1: BP4, BP7

NM_021072.4(HCN1):c.1545T>C (p.Ile515=)

Gene: HCN1 (hyperpolarization activated cyclic nucleotide gated potassium channel 1; minus strand). Cytogenetic location: 5p12.
Variant type: single nucleotide variant.
Coding change: c.1545T>C on transcript NM_021072.4 (MANE Select); coding-DNA position 1545, T replaced by C.
Protein change: p.Ile515=; no amino-acid change (isoleucine 515 retained).
Molecular consequence: synonymous variant.
Genome position (GRCh38, 1-based): chr5:45,303,672, A>G on the plus strand (T>C on the coding strand, the complement: HCN1 is on the minus strand). VCF-style: chr5-45303672-A-G. GRCh37 (hg19) VCF-style: chr5-45303774-A-G.
Identifiers: ClinVar variation 2655457 (VCV002655457.25), dbSNP rs1298501995, ClinGen allele CA444257023.
Genomic context (GRCh38, chr5:45,303,672, plus strand): 5'-GCCATCTGTCAGCTTCATTTCTTTACTGGATTTTGTAATGACACCAGCAACACCGTGTTG[A>G]ATGAAATACATTTTTTTACCCACGGCTCCTTCTCGTATGATATAATCTCCAGGTTGAAAC-3'
Protein context (NP_066550.2, residues 505-525): EGAVGKKMYF[Ile515=]QHGVAGVITK